The following is an entry in ClinVar:

NM_024675.4(PALB2):c.3231del (p.Cys1078fs)

Gene: PALB2 (partner and localizer of BRCA2; minus strand). Cytogenetic location: 16p12.2.
Variant type: Deletion.
Coding change: c.3231del on transcript NM_024675.4 (MANE Select); coding-DNA position 3231, one base deleted (C; older notation c.3231delC).
Protein change: p.Cys1078fs; shifts the reading frame from cysteine 1078.
Molecular consequence: frameshift variant. On other transcripts: intron variant (8).
Genome position (GRCh38, 1-based): chr16:23,607,983, G deleted on the plus strand (C on the coding strand, the reverse complement: PALB2 is on the minus strand); the first of 3 consecutive G bases (chr16:23,607,983-23,607,985); deleting any one gives the same sequence. VCF-style (leftmost placement, unchanged base first): chr16-23607982-AG-A. GRCh37 (hg19) VCF-style: chr16-23619303-AG-A.
Other names: c.3171del, p.Cys1058fs (NM_001407296.1); c.3159del, p.Cys1054fs (NM_001407297.1); c.3069del, p.Cys1024fs (NM_001407298.1); c.2952del, p.Cys985fs (NM_001407300.1); c.2346del, p.Cys783fs (NM_001407304.1, NM_001407305.1, NM_001407306.1); c.2184del, p.Cys729fs (NM_001407307.1); c.1443del, p.Cys482fs (NM_001407312.1); c.765del, p.Cys256fs (NM_001407314.1); and 6 more; short protein forms C1024fs, C1054fs, C1058fs, C1078fs, C256fs, C482fs, C729fs, C783fs.
Identifiers: ClinVar variation 2674110 (VCV002674110.1), dbSNP rs2506218552, ClinGen allele CA2695197595.
Genomic context (GRCh38, chr16:23,607,982, plus strand): 5'-TAGGGTTAATCACAATGAGCTGAAACACAGGGCTTCGCAACGACTCACTCTCTTTGGCAC[AG>A]GGATGACTCAGGACAATAAAGAGAAGCCCCTAATTTCGGAGAAAAATAAATATCCCAAAT-3'

ClinVar aggregate classification (germline): Pathogenic (1 of 4 stars; one submission).

Conditions:
Familial cancer of breast. Also called: Hereditary breast cancer; BREAST CANCER, FAMILIAL; hereditary breast carcinoma. Identifiers: Orphanet 227535, MedGen C0346153, MONDO:0016419, OMIM 114480. Disease mechanism: loss of function.

Submission:

Myriad Genetics, Inc.
Classification: Pathogenic for Familial cancer of breast. Last evaluated: 2023-09-14. Review status: criteria provided, single submitter. Criteria: Myriad Autosomal Dominant, Autosomal Recessive and X-Linked Classification Criteria (2023). Collection method: clinical testing. Allele origin: unknown.
Comment: This variant is considered pathogenic. This variant creates a frameshift predicted to result in premature protein truncation.